The following is an entry in ClinVar:

NM_000093.5(COL5A1):c.2952+2_2952+3del

Gene: COL5A1 (collagen type V alpha 1 chain; plus strand). Cytogenetic location: 9q34.3.
Variant type: Microsatellite.
Coding change: c.2952+2_2952+3del on transcript NM_000093.5 (MANE Select); the canonical splice donor site of the intron after coding-DNA position 2952 through 3 bases into the intron after coding-DNA position 2952, 2 bases deleted (TG; older notation c.2952+2_2952+3delTG).
Molecular consequence: splice donor variant.
Genome position (GRCh38, 1-based): chr9:134,798,463-134,798,464, TG deleted; deleting any 2 consecutive bases within chr9:134,798,461-134,798,464 gives the same sequence; the c. name uses the placement nearest the transcript's 3' end. VCF-style (leftmost placement, unchanged base first): chr9-134798460-CTG-C. GRCh37 (hg19) VCF-style: chr9-137690306-CTG-C.
Other names: c.2952+2_2952+3del (NM_001278074.1); c.2952+2_2952+3delTG (NM_000093.4).
Identifiers: ClinVar variation 662439 (VCV000662439.15), dbSNP rs1588562135, ClinGen allele CA915947277.

ClinVar aggregate classification (germline): Pathogenic/Likely pathogenic. Review status: criteria provided, multiple submitters, no conflicts (2 of 4 stars). 3 submissions from 3 submitters: Pathogenic (2); Likely pathogenic (1). Last evaluated 2026-07-27.

Conditions:
Ehlers-Danlos syndrome (EDS). Identifiers: Orphanet 98249, MedGen C0013720, MONDO:0020066.
Ehlers-Danlos syndrome, classic type, 1 (EDSCL1). Also called: EHLERS-DANLOS SYNDROME, GRAVIS TYPE; EHLERS-DANLOS SYNDROME, SEVERE CLASSIC TYPE; Ehlers-Danlos syndrome, type 1; Ehlers-Danlos Syndrome, Classic Type, COL5A1-Related; EDS I. Identifiers: MedGen C0268335, MONDO:0019567, OMIM 130000.

Submissions (3):

GeneDx
Classification: Likely pathogenic. Last evaluated: 2026-07-27. Review status: criteria provided, single submitter. Criteria: GeneDx Variant Classification Process June 2021. Collection method: clinical testing. Allele origin: germline.
Comment: Not observed at significant frequency in large population cohorts (gnomAD); Damages or destroys the splice donor site in intron 37, and is expected to cause abnormal gene splicing; if the splice outcome is exon skip, the loss of the encoded residues in the triple helical region is expected to disrupt normal protein folding and function (PMID: 22696272; HGMD); This variant is associated with the following publications: (PMID: 32736638, 23587214, 22696272)

Genome Diagnostics Laboratory, The Hospital for Sick Children
Classification: Pathogenic for Ehlers-Danlos syndrome. Last evaluated: 2022-07-11. Review status: criteria provided, single submitter. Criteria: ACMG Guidelines, 2015. Collection method: clinical testing. Allele origin: germline.

Labcorp Genetics (formerly Invitae), Labcorp
Classification: Pathogenic for Ehlers-Danlos syndrome, classic type, 1. Last evaluated: 2018-12-27. Review status: criteria provided, single submitter. Criteria: Invitae Variant Classification Sherloc (09022015). Collection method: clinical testing. Allele origin: germline.
Comment: This sequence change affects a donor splice site in intron 37 of the COL5A1 gene. It is expected to disrupt RNA splicing and likely results in an absent or disrupted protein product. This variant is not present in population databases (ExAC no frequency). This variant has been observed in individuals affected with classic Ehlers-Danlos syndrome or clinical features of this disease (PMID: 23587214, Invitae). Donor and acceptor splice site variants typically lead to a loss of protein function (PMID: 16199547), and loss-of-function variants in COL5A1 are known to be pathogenic (PMID: 23587214). For these reasons, this variant has been classified as Pathogenic.

Literature cited by the submitters: PubMed 23587214 (cited by Labcorp Genetics (formerly Invitae), Labcorp); PubMed 16199547 (cited by Labcorp Genetics (formerly Invitae), Labcorp).